The following is an entry in ClinVar:

NM_006031.6(PCNT):c.1107T>C (p.His369=)

Gene: PCNT (pericentrin; plus strand). Cytogenetic location: 21q22.3.
Variant type: single nucleotide variant.
Coding change: c.1107T>C on transcript NM_006031.6 (MANE Select); coding-DNA position 1107, T replaced by C.
Protein change: p.His369=; no amino-acid change (histidine 369 retained).
Molecular consequence: synonymous variant.
Genome position (GRCh38, 1-based): chr21:46,349,086, T>C. VCF-style: chr21-46349086-T-C. GRCh37 (hg19) VCF-style: chr21-47769000-T-C.
Other names: c.753T>C, p.His251= (NM_001315529.2).
Identifiers: ClinVar variation 340467 (VCV000340467.18), dbSNP rs113731555, ClinGen allele CA10078516.

ClinVar aggregate classification (germline): Conflicting classifications of pathogenicity. Review status: criteria provided, conflicting classifications (1 of 4 stars). 5 submissions from 5 submitters: Uncertain significance (1); Likely benign (3). 1 of the submissions does not count toward it. Last evaluated 2025-07-02.

Conditions:
PCNT-related disorder. Also called: PCNT-related condition.
Microcephalic osteodysplastic primordial dwarfism type II (MOPD2). Also called: Microcephalic osteodysplastic primordial dwarfism with tooth abnormalities; MOPD II; OSTEODYSPLASTIC PRIMORDIAL DWARFISM, TYPE II. Identifiers: Orphanet 2637, MedGen C0432246, MONDO:0008872, OMIM 210720.

Allele frequency attached by ClinVar (database versions not stated): gnomAD exomes 0.00008 and 0.00012; ExAC 0.00015; 1000 Genomes Project 30x 0.00031; 1000 Genomes Project 0.00040; TOPMed 0.00068; gnomAD 0.00074 and 0.00076; ESP Exome Variant Server 0.00092.
gnomAD v4.1: 239 of 1,608,474 alleles (0.015%); highest among the groups gnomAD compares: African/African-American, 0.27%; 3 homozygotes.

Submissions (5):

Labcorp Genetics (formerly Invitae), Labcorp
Classification: Likely benign. Last evaluated: 2025-07-02. Review status: criteria provided, single submitter. Criteria: Invitae Variant Classification Sherloc (09022015). Collection method: clinical testing. Allele origin: germline.

Blueprint Genetics
Classification: Likely benign. Last evaluated: 2024-08-21. Review status: criteria provided, single submitter. Criteria: ACMG Guidelines, 2015. Collection method: clinical testing. Allele origin: germline.

GeneDx
Classification: Likely benign. Last evaluated: 2019-07-17. Review status: criteria provided, single submitter. Criteria: GeneDx Variant Classification Process June 2021. Collection method: clinical testing. Allele origin: germline. Affected: yes.

Illumina Laboratory Services, Illumina
Classification: Uncertain significance for Microcephalic osteodysplastic primordial dwarfism type II. Last evaluated: 2018-01-12. Review status: criteria provided, single submitter. Criteria: ICSL Variant Classification Criteria 13 December 2019. Collection method: clinical testing. Allele origin: germline.

PreventionGenetics, part of Exact Sciences
Classification: Likely benign for PCNT-related condition. Last evaluated: 2022-02-11. Review status: no assertion criteria provided. Collection method: clinical testing. Allele origin: germline. Not counted in ClinVar's aggregate classification.
Comment: This variant is classified as likely benign based on ACMG/AMP sequence variant interpretation guidelines (Richards et al. 2015 PMID: 25741868, with internal and published modifications).